The following is an entry in ClinVar:

NM_032119.4(ADGRV1):c.6320A>C (p.Gln2107Pro)

Gene: ADGRV1 (adhesion G protein-coupled receptor V1; plus strand). Cytogenetic location: 5q14.3.
Variant type: single nucleotide variant.
Coding change: c.6320A>C on transcript NM_032119.4 (MANE Select); coding-DNA position 6320, A replaced by C.
Protein change: p.Gln2107Pro; replaces glutamine 2107 with proline.
Molecular consequence: missense variant. On other transcripts: non-coding transcript variant (1).
Genome position (GRCh38, 1-based): chr5:90,685,825, A>C. VCF-style: chr5-90685825-A-C. GRCh37 (hg19) VCF-style: chr5-89981642-A-C.
Other names: short protein forms Q2107P.
Identifiers: ClinVar variation 754816 (VCV000754816.28), dbSNP rs181475191, ClinGen allele CA3339756.
Genomic context (GRCh38, chr5:90,685,825, plus strand): 5'-TCTTCTGTCTTTCAGTTCCAAATTCTCCACGTCTTGGGCCTAAGGTAGAAACTATTGCGC[A>C]ACTAATTATCATTGCCAATGATGATGCATTTGGAACTCTTCAGCTCTCAGCACCAATTGT-3'
Protein context (NP_115495.3, residues 2097-2117): RLGPKVETIA[Gln2107Pro]LIIIANDDAF

ClinVar aggregate classification (germline): Benign. Review status: criteria provided, multiple submitters, no conflicts (2 of 4 stars). 5 submissions from 5 submitters: Benign (4). 1 of the submissions does not count toward it. Last evaluated 2025-12-23.

Conditions:
ADGRV1-related disorder. Also called: ADGRV1-related disorders; ADGRV1-related condition.
Usher syndrome type 2C. Also called: USHER SYNDROME, TYPE IIC; Usher syndrome, type 2B. Identifiers: Orphanet 231178, Orphanet 886, MedGen C2931213, MONDO:0011558, OMIM 605472.

Allele frequency attached by ClinVar (database versions not stated): TOPMed 0.00015; ESP Exome Variant Server 0.00033; 1000 Genomes Project 30x 0.00156; gnomAD exomes 0.00182 and 0.00448; 1000 Genomes Project 0.00220; ExAC 0.00356; gnomAD 0.00405 and 0.00421.
gnomAD v4.1: 3,237 of 1,611,904 alleles (0.2%); highest among the groups gnomAD compares: Non-Finnish European, 0.017%; 76 homozygotes.

Submissions (5):

Labcorp Genetics (formerly Invitae), Labcorp
Classification: Benign. Last evaluated: 2025-12-23. Review status: criteria provided, single submitter. Criteria: Invitae Variant Classification Sherloc (09022015). Collection method: clinical testing. Allele origin: germline.

CeGaT Center for Human Genetics Tuebingen
Classification: Benign. Last evaluated: 2025-09-01. Review status: criteria provided, single submitter. Criteria: CeGaT Center For Human Genetics Tuebingen Variant Classification Criteria Version 2. Collection method: clinical testing. Allele origin: germline. Affected: yes. Observed: 1 variant allele.
Comment: ADGRV1: BP4, BS1, BS2

Illumina Laboratory Services, Illumina
Classification: Benign for Usher syndrome type 2C. Last evaluated: 2025-04-08. Review status: criteria provided, single submitter. Criteria: ICSLVariantClassificationCriteria RUGD 01 April 2020. Collection method: clinical testing. Allele origin: unknown.

Laboratory for Molecular Medicine, Mass General Brigham Personalized Medicine
Classification: Benign. Last evaluated: 2019-05-02. Review status: criteria provided, single submitter. Criteria: LMM Criteria. Collection method: clinical testing. Allele origin: germline. Observed: 1 variant allele.
Comment: The p.Gln2107Pro variant in ADGRV1 is classified as benign because it has been identified in 4.7% (1170/24774) of Finnish chromosomes by gnomAD. ACMG/AMP Criteria Applied: BA1.

PreventionGenetics, part of Exact Sciences
Classification: Benign for ADGRV1-related condition. Last evaluated: 2019-07-24. Review status: no assertion criteria provided. Collection method: clinical testing. Allele origin: germline. Not counted in ClinVar's aggregate classification.
Comment: This variant is classified as benign based on ACMG/AMP sequence variant interpretation guidelines (Richards et al. 2015 PMID: 25741868, with internal and published modifications).